The following is an entry in ClinVar:

ClinVar aggregate classification (germline): Conflicting classifications of pathogenicity. Review status: criteria provided, conflicting classifications (1 of 4 stars). 6 submissions from 6 submitters: Uncertain significance (5); Benign (1). Last evaluated 2025-04-07.

Conditions:
Isolated focal cortical dysplasia type II (FCORD2). Also called: Focal cortical dysplasia type II; CORTICAL DYSPLASIA OF TAYLOR. Identifiers: Orphanet 268994, MedGen C1846385, MONDO:0011818, OMIM 607341, HP:0032051.
Tuberous sclerosis 2 (TSC2). Identifiers: Orphanet 805, MedGen C1860707, MONDO:0013199, OMIM 613254.
Hereditary cancer-predisposing syndrome. Also called: Neoplastic Syndromes, Hereditary; Hereditary Cancer Syndrome; Tumor predisposition; Hereditary neoplastic syndrome. Identifiers: Orphanet 140162, MedGen C0027672, MeSH D009386, MONDO:0015356.

gnomAD v4.1: 1 of 1,614,126 alleles (0.000062%); highest among the groups gnomAD compares: Non-Finnish European, 0.000085%; no homozygotes.

Submissions (6):

Ambry Genetics
Classification: Uncertain significance for Hereditary cancer-predisposing syndrome. Last evaluated: 2025-04-07. Review status: criteria provided, single submitter. Criteria: Ambry Variant Classification Scheme 2023. Collection method: clinical testing. Allele origin: germline.
Comment: The p.R718S variant (also known as c.2152C>A), located in coding exon 19 of the TSC2 gene, results from a C to A substitution at nucleotide position 2152. The arginine at codon 718 is replaced by serine, an amino acid with dissimilar properties. This amino acid position is well conserved in available vertebrate species. In addition, this alteration is predicted to be deleterious by in silico analysis. Since supporting evidence is limited at this time, the clinical significance of this alteration remains unclear.

Labcorp Genetics (formerly Invitae), Labcorp
Classification: Benign for Tuberous sclerosis 2. Last evaluated: 2025-02-12. Review status: criteria provided, single submitter. Criteria: Invitae Variant Classification Sherloc (09022015). Collection method: clinical testing. Allele origin: germline.

Baylor Genetics
Classification: Uncertain significance for Isolated focal cortical dysplasia type II. Last evaluated: 2023-12-18. Review status: criteria provided, single submitter. Criteria: ACMG Guidelines, 2015. Collection method: clinical testing. Allele origin: unknown.

Genome-Nilou Lab
Classification: Uncertain significance for Tuberous sclerosis 2. Last evaluated: 2021-11-07. Review status: criteria provided, single submitter. Criteria: ACMG Guidelines, 2015. Collection method: clinical testing. Allele origin: germline. Affected: no.

GeneDx
Classification: Uncertain significance. Last evaluated: 2020-03-17. Review status: criteria provided, single submitter. Criteria: GeneDx Variant Classification Process June 2021. Collection method: clinical testing. Allele origin: germline. Affected: yes.
Comment: In silico analysis supports that this missense variant does not alter protein structure/function; Has not been previously published as pathogenic or benign to our knowledge

Athena Diagnostics
Classification: Uncertain significance. Last evaluated: 2018-01-18. Review status: criteria provided, single submitter. Criteria: Athena Diagnostics Criteria. Collection method: clinical testing. Allele origin: germline.

NM_000548.5(TSC2):c.2152C>A (p.Arg718Ser)

Gene: TSC2 (TSC complex subunit 2; plus strand). Cytogenetic location: 16p13.3.
Variant type: single nucleotide variant.
Coding change: c.2152C>A on transcript NM_000548.5 (MANE Select); coding-DNA position 2152, C replaced by A.
Protein change: p.Arg718Ser; replaces arginine 718 with serine.
Molecular consequence: missense variant.
Genome position (GRCh38, 1-based): chr16:2,072,295, C>A. VCF-style: chr16-2072295-C-A. GRCh37 (hg19) VCF-style: chr16-2122296-C-A.
Other names: c.2152C>A, p.Arg718Ser (NM_001077183.3, NM_001114382.3, NM_001363528.2 and 3 more transcripts); c.2041C>A, p.Arg681Ser (NM_001318827.2); c.2005C>A, p.Arg669Ser (NM_001318829.2); c.1552C>A, p.Arg518Ser (NM_001318831.2); c.2185C>A, p.Arg729Ser (NM_001318832.2); short protein forms R718S, R681S, R729S, R518S, R669S.
Identifiers: ClinVar variation 586850 (VCV000586850.13), dbSNP rs182538665, ClinGen allele CA394274850.